The following is an entry in ClinVar:

ClinVar aggregate classification (germline): not provided (0 of 4 stars; one submission).

Allele frequency attached by ClinVar (database versions not stated): gnomAD 0.00004 and 0.00006; TOPMed 0.00005; 1000 Genomes Project 0.00040; 1000 Genomes Project 30x 0.00047.

Submission:

Human Evolutionary Genetics, Institut Pasteur
No classification provided. Review status: no classification provided. Collection method: not provided. Allele origin: germline.
ClinVar note: Converted during submission from untested to not provided.

NM_001394894.2(NLRP11):c.-63+110T>C

Gene: NLRP11 (NLR family pyrin domain containing 11; minus strand). Cytogenetic location: 19q13.43.
Variant type: single nucleotide variant.
Coding change: c.-63+110T>C on transcript NM_001394894.2 (MANE Select); 110 bases into the intron after 63 bases upstream of the start codon, T replaced by C.
Molecular consequence: intron variant.
Genome position (GRCh38, 1-based): chr19:55,831,853, A>G on the plus strand (T>C on the coding strand, the complement: NLRP11 is on the minus strand). VCF-style: chr19-55831853-A-G. GRCh37 (hg19) VCF-style: chr19-56343219-A-G.
Other names: c.-27+110T>C (NM_001297743.3); c.-63+110T>C (NM_001385451.2, NM_001385453.2, NM_145007.5).
Identifiers: ClinVar variation 103267 (VCV000103267.3), dbSNP rs199475859, ClinGen allele CA230342.
Genomic context (GRCh38, chr19:55,831,853, plus strand): 5'-ACTTGAAAAAGGTAACAGAGCTTGGCCTGCCCTTAGGAACTTTAGTCATTTTATTCCCCA[A>G]TCATATTATTTCCAGCTCCTAACCAAAGAGAAAGCTAAAGAACCAATGTAACATAATAAA-3'